The following is an entry in ClinVar:

ClinVar aggregate classification (germline): Uncertain significance (1 of 4 stars; one submission).

Conditions:
Propionic acidemia (PROP). Also called: GLYCINEMIA, KETOTIC; HYPERGLYCINEMIA WITH KETOACIDOSIS AND LEUKOPENIA; KETOTIC HYPERGLYCINEMIA. Identifiers: Orphanet 35, MedGen C0268579, MONDO:0011628, OMIM 606054, HP:0003571.

Allele frequency attached by ClinVar (database versions not stated): gnomAD 0.00001; gnomAD exomes 0.00001.
gnomAD v4.1: 5 of 1,612,836 alleles (0.00031%); highest among the groups gnomAD compares: Non-Finnish European, 0.00034%; no homozygotes.

Submission:

Labcorp Genetics (formerly Invitae), Labcorp
Classification: Uncertain significance for Propionic acidemia. Last evaluated: 2021-09-24. Review status: criteria provided, single submitter. Criteria: Invitae Variant Classification Sherloc (09022015). Collection method: clinical testing. Allele origin: germline.
Comment: This sequence change replaces leucine with arginine at codon 48 of the PCCB protein (p.Leu48Arg). The leucine residue is highly conserved and there is a moderate physicochemical difference between leucine and arginine. This variant is not present in population databases (ExAC no frequency). This variant has not been reported in the literature in individuals with PCCB-related conditions. Advanced modeling of protein sequence and biophysical properties (such as structural, functional, and spatial information, amino acid conservation, physicochemical variation, residue mobility, and thermodynamic stability) performed at Invitae indicates that this missense variant is not expected to disrupt PCCB protein function. In summary, the available evidence is currently insufficient to determine the role of this variant in disease. Therefore, it has been classified as a Variant of Uncertain Significance.

NM_000532.5(PCCB):c.143T>G (p.Leu48Arg)

Gene: PCCB (propionyl-CoA carboxylase subunit beta; plus strand). Cytogenetic location: 3q22.3.
Variant type: single nucleotide variant.
Coding change: c.143T>G on transcript NM_000532.5 (MANE Select); coding-DNA position 143, T replaced by G.
Protein change: p.Leu48Arg; replaces leucine 48 with arginine.
Molecular consequence: missense variant.
Genome position (GRCh38, 1-based): chr3:136,250,518, T>G. VCF-style: chr3-136250518-T-G. GRCh37 (hg19) VCF-style: chr3-135969360-T-G.
Other names: c.143T>G, p.Leu48Arg (NM_001178014.2); short protein forms L48R.
Identifiers: ClinVar variation 1507666 (VCV001507666.5), dbSNP rs1368586445, ClinGen allele CA354738072.